The following is an entry in ClinVar:

ClinVar aggregate classification (germline): Uncertain significance (1 of 4 stars; one submission).

Allele frequency attached by ClinVar (database versions not stated): gnomAD exomes below 0.00001.
gnomAD v4.1: 5 of 1,534,886 alleles (0.00033%); highest among the groups gnomAD compares: Non-Finnish European, 0.00044%; no homozygotes.

Submission:

CeGaT Center for Human Genetics Tuebingen
Classification: Uncertain significance. Last evaluated: 2024-02-01. Review status: criteria provided, single submitter. Criteria: CeGaT Center For Human Genetics Tuebingen Variant Classification Criteria Version 2. Collection method: clinical testing. Allele origin: germline. Affected: yes. Observed: 1 variant allele.
Comment: CUX2: PM2

NM_015267.4(CUX2):c.2551G>A (p.Glu851Lys)

Gene: CUX2 (cut like homeobox 2; plus strand). Cytogenetic location: 12q24.12.
Variant type: single nucleotide variant.
Coding change: c.2551G>A on transcript NM_015267.4 (MANE Select); coding-DNA position 2551, G replaced by A.
Protein change: p.Glu851Lys; replaces glutamic acid 851 with lysine.
Molecular consequence: missense variant.
Genome position (GRCh38, 1-based): chr12:111,320,560, G>A. VCF-style: chr12-111320560-G-A. GRCh37 (hg19) VCF-style: chr12-111758364-G-A.
Other names: c.2365G>A, p.Glu789Lys (NM_001370598.1); short protein forms E789K, E851K.
Identifiers: ClinVar variation 3027027 (VCV003027027.22), dbSNP rs1421401837, ClinGen allele CA386713641.
Genomic context (GRCh38, chr12:111,320,560, plus strand): 5'-CCTGTGCCCCCCGAGGACGAGGCGGCGGCAGGGGCGGAGGACGAACCCCCCAGGACGGGC[G>A]AGCTCAAGGCTGAGGGCGCGACGGCCGAGGCGGGCGCGCGGCTGCCCTACTACCCGGCCT-3'
Protein context (NP_056082.2, residues 841-861): GAEDEPPRTG[Glu851Lys]LKAEGATAEA